The following is an entry in ClinVar:

ClinVar aggregate classification (germline): Likely benign (1 of 4 stars; one submission).

gnomAD v4.1: 6 of 1,613,830 alleles (0.00037%); highest among the groups gnomAD compares: East Asian, 0.0045%; no homozygotes.

Submission:

CeGaT Center for Human Genetics Tuebingen
Classification: Likely benign. Last evaluated: 2026-03-01. Review status: criteria provided, single submitter. Criteria: CeGaT Center For Human Genetics Tuebingen Variant Classification Criteria Version 2. Collection method: clinical testing. Allele origin: germline. Affected: yes. Observed: 1 variant allele.
Comment: GRHL2: BP4, BP7

NM_024915.4(GRHL2):c.1479C>T (p.Thr493=)

Gene: GRHL2 (grainyhead like transcription factor 2; plus strand). Cytogenetic location: 8q22.3.
Variant type: single nucleotide variant.
Coding change: c.1479C>T on transcript NM_024915.4 (MANE Select); coding-DNA position 1479, C replaced by T.
Protein change: p.Thr493=; no amino-acid change (threonine 493 retained).
Molecular consequence: synonymous variant.
Genome position (GRCh38, 1-based): chr8:101,632,359, C>T. VCF-style: chr8-101632359-C-T. GRCh37 (hg19) VCF-style: chr8-102644587-C-T.
Other names: c.1431C>T, p.Thr477= (NM_001330593.2, NM_001440448.1); c.1479C>T, p.Thr493= (NM_001440447.1).
Identifiers: ClinVar variation 4822045 (VCV004822045.4).